The following is an entry in ClinVar:

ClinVar aggregate classification (germline): Pathogenic (1 of 4 stars; one submission).

Conditions:
Retinitis pigmentosa 3. Also called: CHOROIDORETINAL DEGENERATION WITH RETINAL REFLEX IN HETEROZYGOUS WOMEN. Identifiers: Orphanet 791, MedGen C1845667, MONDO:0010227, OMIM 300029.

Submission:

Northern Molecular Genetics Service, Newcastle Upon Tyne Hospitals NHS Foundation Trust
Classification: Pathogenic for Retinitis pigmentosa 3. Last evaluated: 2017-12-20. Review status: criteria provided, single submitter. Criteria: ACMG Guidelines, 2015. Collection method: clinical testing. Allele origin: inherited. Inheritance: X-linked recessive inheritance. Affected: yes. Observed: 5 variant alleles, 3 heterozygotes, 2 hemizygotes.
Comment: Not reported in large population databases, or in the literature. Large deletion variant encompassing exon 6.

NM_001034853.2(RPGR):c.470-73_619+1581del

Gene: RPGR (retinitis pigmentosa GTPase regulator; minus strand). Cytogenetic location: Xp11.4.
Variant type: Deletion.
Coding change: c.470-73_619+1581del on transcript NM_001034853.2 (MANE Select); 73 bases into the intron before coding-DNA position 470 through 1581 bases into the intron after coding-DNA position 619, 1,804 bases deleted.
Molecular consequence: splice acceptor variant, splice donor variant.
Genome position (GRCh38, 1-based): chrX:38,315,735-38,317,538, 1,804 bases deleted. GRCh37 (hg19): chrX:38,174,990-38,176,793.
Other names: c.467-73_616+1581del (NM_001367249.1); c.470-73_619+1581del (NM_001367250.1, NM_001367245.1, NM_001367251.1 and 3 more transcripts); c.500-73_649+1581del (NM_001367248.1).
Identifiers: ClinVar variation 932304 (VCV000932304.3), ClinGen allele CA1139667473.